The following is an entry in ClinVar:

NM_018418.5(SPATA7):c.1126_1127del (p.Thr375_Asp376insTer)

Gene: SPATA7 (spermatogenesis associated 7; plus strand). Cytogenetic location: 14q31.3.
Variant type: Deletion.
Coding change: c.1126_1127del on transcript NM_018418.5 (MANE Select); coding-DNA positions 1126 to 1127, 2 bases deleted (GA; older notation c.1126_1127delGA).
Protein change: p.Thr375_Asp376insTer.
Molecular consequence: nonsense.
Genome position (GRCh38, 1-based): chr14:88,433,178-88,433,179, GA deleted; deleting any 2 consecutive bases within chr14:88,433,177-88,433,179 gives the same sequence; the c. name uses the placement nearest the transcript's 3' end. VCF-style (leftmost placement, unchanged base first): chr14-88433176-CAG-C. GRCh37 (hg19) VCF-style: chr14-88899520-CAG-C.
Other names: c.1126_1127delGA (NM_018418.4); c.1030_1031del, p.Thr343_Asp344insTer (NM_001040428.4).
Identifiers: ClinVar variation 977973 (VCV000977973.3), dbSNP rs1227147156, ClinGen allele CA615692604.

ClinVar aggregate classification (germline): Pathogenic. Review status: criteria provided, multiple submitters, no conflicts (2 of 4 stars). 3 submissions from 3 submitters: Pathogenic (2). 1 of the submissions does not count toward it. Last evaluated 2025-12-08.

Conditions:
Leber congenital amaurosis 3 (LCA3). Also called: SPATA7-Related Retinitis Pigmentosa. Identifiers: MedGen C1858677, MONDO:0011415, OMIM 604232.

Submissions (3):

Labcorp Genetics (formerly Invitae), Labcorp
Classification: Pathogenic for Leber congenital amaurosis 3. Last evaluated: 2025-12-08. Review status: criteria provided, single submitter. Criteria: Invitae Variant Classification Sherloc (09022015). Collection method: clinical testing. Allele origin: germline.
Comment: This sequence change creates a premature translational stop signal (p.Asp376*) in the SPATA7 gene. It is expected to result in an absent or disrupted protein product. Loss-of-function variants in SPATA7 are known to be pathogenic (PMID: 19268277, 22334370, 23847139, 26047050, 26261414). The frequency data for this variant in the population databases is considered unreliable, as metrics indicate poor data quality at this position in the gnomAD database. This variant has not been reported in the literature in individuals affected with SPATA7-related conditions. ClinVar contains an entry for this variant (Variation ID: 977973). For these reasons, this variant has been classified as Pathogenic.

Victorian Clinical Genetics Services, Murdoch Childrens Research Institute
Classification: Pathogenic for Leber congenital amaurosis 3. Last evaluated: 2021-05-06. Review status: criteria provided, single submitter. Criteria: ACMG Guidelines, 2015. Collection method: clinical testing. Allele origin: germline. Inheritance: Autosomal recessive inheritance.
Comment: Based on the classification scheme VCGS_Germline_v1.3.4, this variant is classified as Pathogenic. Following criteria are met: 0102 - Loss of function is a known mechanism of disease in this gene and is associated with Leber congenital amaurosis 3 (MIM#604232) and autosomal recessive juvenile retinitis pigmentosa (MIM#604232). (I) 0106 - This gene is associated with autosomal recessive disease. (I) 0201 - Variant is predicted to cause nonsense-mediated decay (NMD) and loss of protein (premature termination codon is located at least 54 nucleotides upstream of the final exon-exon junction). (SP) 0251 - This variant is heterozygous. (I) 0304 - Variant is present in gnomAD (v2) <0.01 for a recessive condition (1 heterozygote, 0 homozygotes). (SP) 0701 - Other NMD-predicted variants comparable to the one identified in this case have very strong previous evidence for pathogenicity. More than 10 NMD-predicted variants in this gene have been reported in patients (PMID: 31908400, ClinVar). (SP) 0807 - This variant has no previous evidence of pathogenicity. It has only been reported once in ClinVar as pathogenic by a research lab without further supporting information. (I) 0905 - No published segregation evidence has been identified for this variant. (I) 1007 - No published functional evidence has been identified for this variant. (I) 1201 - Heterozygous variant detected in trans with a second pathogenic heterozygous variant (c.288T>A) in a recessive disease. (I) Legend: (SP) - Supporting pathogenic, (I) - Information, (SB) - Supporting benign

Laboratory of Genetics in Ophthalmology, Institut Imagine
Classification: Pathogenic for Leber congenital amaurosis 3. Review status: no assertion criteria provided. Collection method: research. Allele origin: inherited. Affected: yes. Observed: 1 variant allele. Not counted in ClinVar's aggregate classification.

Literature cited by the submitters: PubMed 19268277 (cited by Labcorp Genetics (formerly Invitae), Labcorp); PubMed 22334370 (cited by Labcorp Genetics (formerly Invitae), Labcorp); PubMed 23847139 (cited by Labcorp Genetics (formerly Invitae), Labcorp); PubMed 26047050 (cited by Labcorp Genetics (formerly Invitae), Labcorp); PubMed 26261414 (cited by Labcorp Genetics (formerly Invitae), Labcorp); PubMed 31908400 (cited by Victorian Clinical Genetics Services, Murdoch Childrens Research Institute).